The following is an entry in ClinVar:

ClinVar aggregate classification (germline): Uncertain significance (1 of 4 stars; one submission).

Conditions:
Inborn genetic diseases. Identifiers: MedGen C0950123, MeSH D030342.

Submission:

Ambry Genetics
Classification: Uncertain significance for Inborn genetic diseases. Last evaluated: 2026-03-07. Review status: criteria provided, single submitter. Criteria: Ambry Variant Classification Scheme 2023. Collection method: clinical testing. Allele origin: germline.
Comment: The p.F82L variant (also known as c.246C>G), located in coding exon 1 of the CEBPA gene, results from a C to G substitution at nucleotide position 246. The phenylalanine at codon 82 is replaced by leucine, an amino acid with highly similar properties. This amino acid position is conserved. In addition, this alteration is predicted to be tolerated by in silico analysis. Based on the available evidence, the clinical significance of this variant remains unclear.

NM_004364.5(CEBPA):c.246C>G (p.Phe82Leu)

Gene: CEBPA (CCAAT enhancer binding protein alpha; minus strand). Cytogenetic location: 19q13.11.
Variant type: single nucleotide variant.
Coding change: c.246C>G on transcript NM_004364.5 (MANE Select); coding-DNA position 246, C replaced by G.
Protein change: p.Phe82Leu; replaces phenylalanine 82 with leucine.
Molecular consequence: missense variant. On other transcripts: 5 prime UTR variant (1).
Genome position (GRCh38, 1-based): chr19:33,302,169, G>C on the plus strand (C>G on the coding strand, the complement: CEBPA is on the minus strand). VCF-style: chr19-33302169-G-C. GRCh37 (hg19) VCF-style: chr19-33793075-G-C.
Other names: c.-112C>G (NM_001285829.2); c.351C>G, p.Phe117Leu (NM_001287424.2); c.204C>G, p.Phe68Leu (NM_001287435.2); short protein forms F82L, F117L, F68L.
Identifiers: ClinVar variation 4827150 (VCV004827150.1).